The following is an entry in ClinVar:

ClinVar aggregate classification (germline): Conflicting classifications of pathogenicity. Review status: criteria provided, conflicting classifications (1 of 4 stars). 11 submissions from 11 submitters: Uncertain significance (1); Benign (5); Likely benign (2). 3 of the submissions do not count toward it. Last evaluated 2026-02-03.

Conditions:
Cardiovascular phenotype. Identifiers: MedGen CN230736.
Monogenic diabetes. Identifiers: Orphanet 183625, MedGen C3888631, MONDO:0015967.
Alstrom syndrome (ALMS). Identifiers: Orphanet 64, MedGen C0268425, MONDO:0008763, OMIM 203800.

Allele frequency attached by ClinVar (database versions not stated): gnomAD exomes 0.00080 and 0.00211; ExAC 0.00214; gnomAD 0.00401 and 0.00429; ESP Exome Variant Server 0.00480; 1000 Genomes Project 0.00499; TOPMed 0.00468; 1000 Genomes Project 30x 0.00562.
gnomAD v4.1: 1,861 of 1,612,596 alleles (0.12%); highest among the groups gnomAD compares: African/African-American, 1.3%; 18 homozygotes.

Submissions (11):

Labcorp Genetics (formerly Invitae), Labcorp
Classification: Benign for Alstrom syndrome. Last evaluated: 2026-02-03. Review status: criteria provided, single submitter. Criteria: Invitae Variant Classification Sherloc (09022015). Collection method: clinical testing. Allele origin: germline.

GeneDx
Classification: Benign. Last evaluated: 2019-03-01. Review status: criteria provided, single submitter. Criteria: GeneDx Variant Classification Process June 2021. Collection method: clinical testing. Allele origin: germline. Affected: yes.

Ambry Genetics
Classification: Benign for Cardiovascular phenotype. Last evaluated: 2019-02-28. Review status: criteria provided, single submitter. Criteria: Ambry Variant Classification Scheme 2023. Collection method: clinical testing. Allele origin: germline.

Genetic Services Laboratory, University of Chicago
Classification: Benign. Last evaluated: 2018-09-27. Review status: criteria provided, single submitter. Criteria: ACMG Guidelines, 2015. Collection method: clinical testing. Allele origin: germline. Affected: no.

Personalized Diabetes Medicine Program, University of Maryland School of Medicine
Classification: Benign for Monogenic diabetes. Last evaluated: 2018-05-18. Review status: criteria provided, single submitter. Criteria: ACMG Guidelines, 2015. Collection method: research. Allele origin: unknown. Observed: 4 variant alleles, 4 heterozygotes.
Comment: ACMG criteria: BP4 (7 predictors), REVEL of 0.02, BS1 (1.93% in Ashkenazi Jewish and 1.33% in Africans), BS2 (5 homozygotes in African and European ExAC), BP1 (missense in gene with truncating cause disease), NOTE: likely in LD with rs75145370= benign

Center for Pediatric Genomic Medicine, Children's Mercy Hospital and Clinics
Classification: Likely benign. Last evaluated: 2016-02-10. Review status: criteria provided, single submitter. Criteria: ACMG Guidelines, 2015. Collection method: clinical testing. Allele origin: germline.
ClinVar note: Converted during submission from Likely Benign to Likely benign.

Breakthrough Genomics
Classification: Likely benign. Review status: criteria provided, single submitter. Criteria: ACMG Guidelines, 2015. Collection method: not provided. Allele origin: germline. Inheritance: Autosomal recessive inheritance. Affected: yes.

Clinical Genomics, Uppaluri K&H Personalized Medicine Clinic
Classification: Uncertain significance for Alstrom syndrome. Review status: criteria provided, single submitter. Criteria: K & H Uppaluri Personalized Medicine Clinic Variant Classification & Assertion Criteria_Updated V.1. Collection method: research. Allele origin: unknown. Inheritance: Autosomal recessive inheritance.
Comment: Potent mutations in ALMS1 are associated with a rare condition called Alstrom syndrome. It can cause excessive eating, insulin resistance. However, no evidence is found to ascertain the role of rs58093963 in Alstrom syndrome yet.

Natera, Inc.
Classification: Benign for Alstrom syndrome. Last evaluated: 2019-12-02. Review status: no assertion criteria provided. Collection method: clinical testing. Allele origin: germline. Not counted in ClinVar's aggregate classification.

Genome Diagnostics Laboratory, University Medical Center Utrecht
Classification: Benign. Review status: no assertion criteria provided. Collection method: clinical testing. Allele origin: germline. Affected: yes. Study: VKGL Data-share Consensus. Not counted in ClinVar's aggregate classification.

Laboratory of Diagnostic Genome Analysis, Leiden University Medical Center (LUMC)
Classification: Likely benign. Review status: no assertion criteria provided. Collection method: clinical testing. Allele origin: germline. Affected: yes. Study: VKGL Data-share Consensus. Not counted in ClinVar's aggregate classification.

Literature cited by the submitters: PubMed 34148947 (cited by Clinical Genomics, Uppaluri K&H Personalized Medicine Clinic); PubMed 25846608 (cited by Clinical Genomics, Uppaluri K&H Personalized Medicine Clinic); PubMed 30421101 (cited by Clinical Genomics, Uppaluri K&H Personalized Medicine Clinic); PubMed 33669459 (cited by Clinical Genomics, Uppaluri K&H Personalized Medicine Clinic).

NM_001378454.1(ALMS1):c.6464A>G (p.Asp2155Gly)

Gene: ALMS1 (ALMS1 centrosome and basal body associated protein; plus strand). Cytogenetic location: 2p13.1.
Variant type: single nucleotide variant.
Coding change: c.6464A>G on transcript NM_001378454.1 (MANE Select); coding-DNA position 6464, A replaced by G.
Protein change: p.Asp2155Gly; replaces aspartic acid 2155 with glycine.
Molecular consequence: missense variant.
Genome position (GRCh38, 1-based): chr2:73,452,991, A>G. VCF-style: chr2-73452991-A-G. GRCh37 (hg19) VCF-style: chr2-73680118-A-G.
Other names: c.6467A>G, p.Asp2156Gly (NM_015120.4); short protein forms D2156G, D2155G.
Identifiers: ClinVar variation 235595 (VCV000235595.73), dbSNP rs58093963, ClinGen allele CA1714067.
Genomic context (GRCh38, chr2:73,452,991, plus strand): 5'-CAACAGCTCTTCCTAGTTCCTTTTCACATCGAGAGAAACCAGATATTTTCTATCAAAAGG[A>G]TTTGCCAGATAGACATCTAACTGAAGATGCTCTAAAGATCTCAAGTGCTCTTGGGCAAGC-3'
Protein context (NP_001365383.1, residues 2145-2165): REKPDIFYQK[Asp2155Gly]LPDRHLTEDA